The following is an entry in ClinVar:

NM_021098.3(CACNA1H):c.5485C>G (p.Leu1829Val)

Gene: CACNA1H (calcium voltage-gated channel subunit alpha1 H; plus strand). Cytogenetic location: 16p13.3.
Variant type: single nucleotide variant.
Coding change: c.5485C>G on transcript NM_021098.3 (MANE Select); coding-DNA position 5485, C replaced by G.
Protein change: p.Leu1829Val; replaces leucine 1829 with valine.
Molecular consequence: missense variant.
Genome position (GRCh38, 1-based): chr16:1,218,249, C>G. VCF-style: chr16-1218249-C-G. GRCh37 (hg19) VCF-style: chr16-1268249-C-G.
Other names: c.5467C>G, p.Leu1823Val (NM_001005407.2); short protein forms L1823V, L1829V.
Identifiers: ClinVar variation 2948573 (VCV002948573.3), dbSNP rs1275454609, ClinGen allele CA394147281.

ClinVar aggregate classification (germline): Uncertain significance (1 of 4 stars; one submission).

Conditions:
Idiopathic generalized epilepsy. Also called: EIG; Generalised epilepsy. Identifiers: MedGen C0270850, MONDO:0005579, OMIM 600669.
Hyperaldosteronism, familial, type IV (HALD4). Also called: FH IV; ALDOSTERONISM, PRIMARY, AND HYPERTENSION. Identifiers: Orphanet 642671, MedGen C4310756, MONDO:0014875, OMIM 617027.

gnomAD v4.1: 3 of 1,550,740 alleles (0.00019%); highest among the groups gnomAD compares: Admixed American, 0.002%; no homozygotes.

Submission:

Labcorp Genetics (formerly Invitae), Labcorp
Classification: Uncertain significance for Idiopathic generalized epilepsy; Hyperaldosteronism, familial, type IV. Last evaluated: 2023-06-05. Review status: criteria provided, single submitter. Criteria: Invitae Variant Classification Sherloc (09022015). Collection method: clinical testing. Allele origin: germline.
Comment: This sequence change replaces leucine, which is neutral and non-polar, with valine, which is neutral and non-polar, at codon 1829 of the CACNA1H protein (p.Leu1829Val). In summary, the available evidence is currently insufficient to determine the role of this variant in disease. Therefore, it has been classified as a Variant of Uncertain Significance. Advanced modeling of protein sequence and biophysical properties (such as structural, functional, and spatial information, amino acid conservation, physicochemical variation, residue mobility, and thermodynamic stability) performed at Invitae indicates that this missense variant is not expected to disrupt CACNA1H protein function. This variant has not been reported in the literature in individuals affected with CACNA1H-related conditions. This variant is present in population databases (no rsID available, gnomAD 0.004%).